The following is an entry in ClinVar:

NC_000007.14:g.(?_5991973)_(5999275_?)del

Gene: PMS2 (PMS1 homolog 2, mismatch repair system component; minus strand). Cytogenetic location: 7p22.1.
Variant type: Deletion.
Identifiers: ClinVar variation 417549 (VCV000417549.1).

ClinVar aggregate classification (germline): Pathogenic (1 of 4 stars; one submission).

Conditions:
Lynch syndrome. Identifiers: Orphanet 144, MedGen C4552100, MONDO:0005835. Disease mechanism: loss of function.

Submission:

Labcorp Genetics (formerly Invitae), Labcorp
Classification: Pathogenic for Hereditary nonpolyposis colorectal neoplasms. Last evaluated: 2016-07-30. Review status: criteria provided, single submitter. Criteria: Invitae Variant Classification Sherloc (09022015). Collection method: clinical testing. Allele origin: germline.
Comment: This variant is a gross deletion of the genomic region encompassing exons 6-9 of the PMS2 gene. This creates a premature translational stop signal and is expected to result in an absent or disrupted protein product. Loss-of-function variants in PMS2 are known to be pathogenic (PMID: 21376568, 24362816). A similar deletion of exons 6-9 has been reported in an individual affected with colorectal cancer (PMID: 20205264). For these reasons, this variant has been classified as Pathogenic.